The following is an entry in ClinVar:

ClinVar aggregate classification (germline): Uncertain significance. Review status: criteria provided, multiple submitters, no conflicts (2 of 4 stars). 2 submissions from 2 submitters: Uncertain significance (2). Last evaluated 2026-07-06.

Conditions:
Hereditary cancer-predisposing syndrome. Also called: Hereditary Cancer Syndrome; Tumor predisposition; Hereditary neoplastic syndrome; Neoplastic Syndromes, Hereditary. Identifiers: Orphanet 140162, MedGen C0027672, MeSH D009386, MONDO:0015356.
Familial adenomatous polyposis 1 (FAP1). Also called: FAMILIAL ADENOMATOUS POLYPOSIS 1, ATTENUATED; POLYPOSIS, ADENOMATOUS INTESTINAL. Identifiers: MedGen C2713442, MONDO:0021056, OMIM 175100. Disease mechanism: loss of function.

Submissions (2):

Ambry Genetics
Classification: Uncertain significance for Hereditary cancer-predisposing syndrome. Last evaluated: 2026-07-06. Review status: criteria provided, single submitter. Criteria: Ambry Variant Classification Scheme 2023. Collection method: clinical testing. Allele origin: germline.
Comment: The p.M200K variant (also known as c.599T>A), located in coding exon 5 of the APC gene, results from a T to A substitution at nucleotide position 599. The methionine at codon 200 is replaced by lysine, an amino acid with similar properties. This amino acid position is conserved. In addition, in silico predictors for this gene do not accurately predict pathogenicity. Based on the available evidence, the clinical significance of this variant remains unclear.

Labcorp Genetics (formerly Invitae), Labcorp
Classification: Uncertain significance for Familial adenomatous polyposis 1. Last evaluated: 2021-07-14. Review status: criteria provided, single submitter. Criteria: Invitae Variant Classification Sherloc (09022015). Collection method: clinical testing. Allele origin: germline.
Comment: This sequence change replaces methionine with lysine at codon 200 of the APC protein (p.Met200Lys). The methionine residue is highly conserved and there is a moderate physicochemical difference between methionine and lysine. This variant is not present in population databases (ExAC no frequency). This variant has not been reported in the literature in individuals with APC-related disease. Algorithms developed to predict the effect of missense changes on protein structure and function (SIFT, PolyPhen-2, Align-GVGD) all suggest that this variant is likely to be disruptive, but these predictions have not been confirmed by published functional studies and their clinical significance is uncertain. In summary, the available evidence is currently insufficient to determine the role of this variant in disease. Therefore, it has been classified as a Variant of Uncertain Significance.

NM_000038.6(APC):c.599T>A (p.Met200Lys)

Gene: APC (APC regulator of Wnt signaling pathway; plus strand). Cytogenetic location: 5q22.2.
Variant type: single nucleotide variant.
Coding change: c.599T>A on transcript NM_000038.6 (MANE Select); coding-DNA position 599, T replaced by A.
Protein change: p.Met200Lys; replaces methionine 200 with lysine.
Molecular consequence: missense variant. On other transcripts: 5 prime UTR variant (1).
Genome position (GRCh38, 1-based): chr5:112,780,857, T>A. VCF-style: chr5-112780857-T-A. GRCh37 (hg19) VCF-style: chr5-112116554-T-A.
Other names: c.599T>A, p.Met200Lys (NM_001127510.3, NM_001354895.2, NM_001354896.2 and 2 more transcripts); c.629T>A, p.Met210Lys (NM_001127511.3, NM_001354897.2, NM_001354902.2); c.524T>A, p.Met175Lys (NM_001354898.2, NM_001354904.2); c.422T>A, p.Met141Lys (NM_001354900.2, NM_001354901.2, NM_001354905.2); c.-437T>A (NM_001354906.2); short protein forms M200K, M210K, M175K, M141K.
Identifiers: ClinVar variation 537487 (VCV000537487.11), dbSNP rs1554072621, ClinGen allele CA16022644.